The following is an entry in ClinVar:

ClinVar aggregate classification (germline): Likely pathogenic (1 of 4 stars; one submission).

Conditions:
Bloom syndrome (BLM). Also called: Bloom-Torre-Machacek syndrome. Identifiers: Orphanet 125, MedGen C0005859, MONDO:0008876, OMIM 210900.

Submission:

Labcorp Genetics (formerly Invitae), Labcorp
Classification: Likely pathogenic for Bloom syndrome. Last evaluated: 2025-12-13. Review status: criteria provided, single submitter. Criteria: Invitae Variant Classification Sherloc (09022015). Collection method: clinical testing. Allele origin: germline.
Comment: This sequence change affects a donor splice site in intron 8 of the BLM gene. It is expected to disrupt RNA splicing. Variants that disrupt the donor or acceptor splice site typically lead to a loss of protein function (PMID: 16199547), and loss-of-function variants in BLM are known to be pathogenic (PMID: 17407155). This variant is not present in population databases (gnomAD no frequency). This variant has not been reported in the literature in individuals affected with BLM-related conditions. Algorithms developed to predict the effect of sequence changes on RNA splicing suggest that this variant may disrupt the consensus splice site. In summary, the currently available evidence indicates that the variant is pathogenic, but additional data are needed to prove that conclusively. Therefore, this variant has been classified as Likely Pathogenic.

Literature cited by the submitters: PubMed 16199547; PubMed 17407155.

NM_000057.4(BLM):c.2074+2T>C

Gene: BLM (BLM RecQ like helicase; plus strand). Cytogenetic location: 15q26.1.
Variant type: single nucleotide variant.
Coding change: c.2074+2T>C on transcript NM_000057.4 (MANE Select); the canonical splice donor site of the intron after coding-DNA position 2074, T replaced by C.
Molecular consequence: splice donor variant.
Genome position (GRCh38, 1-based): chr15:90,763,159, T>C. VCF-style: chr15-90763159-T-C. GRCh37 (hg19) VCF-style: chr15-91306389-T-C.
Other names: c.2074+2T>C (NM_001287246.2, NM_001287247.2); c.949+2T>C (NM_001287248.2).
Identifiers: ClinVar variation 4733153 (VCV004733153.1).